The following is an entry in ClinVar:

ClinVar aggregate classification (germline): Pathogenic/Likely pathogenic. Review status: criteria provided, multiple submitters, no conflicts (2 of 4 stars). 6 submissions from 6 submitters: Pathogenic (4); Likely pathogenic (1). 1 of the submissions does not count toward it. Last evaluated 2025-12-01.

Conditions:
Autosomal recessive inherited pseudoxanthoma elasticum (PXE). Identifiers: Orphanet 758, MedGen CN032334, MONDO:0009925, OMIM 264800.
ABCC6-related disorder. Also called: ABCC6-related condition.
Pseudoxanthoma elasticum, forme fruste. Also called: PSEUDOXANTHOMA ELASTICUM, HETEROZYGOUS; Pseudoxanthoma Elasticum, Incomplete. Identifiers: Orphanet 758, MedGen C1867450, MONDO:0008333, OMIM 177850.
Arterial calcification, generalized, of infancy, 2. Identifiers: Orphanet 51608, MedGen C3276161, MONDO:0013768, OMIM 614473.

Allele frequency attached by ClinVar (database versions not stated): ExAC 0.00022; 1000 Genomes Project 30x 0.00078; 1000 Genomes Project 0.00100; gnomAD 0.00015 and 0.00006; TOPMed 0.00016; gnomAD exomes 0.00021.

Submissions (6):

Labcorp Genetics (formerly Invitae), Labcorp
Classification: Pathogenic. Last evaluated: 2025-12-01. Review status: criteria provided, single submitter. Criteria: Invitae Variant Classification Sherloc (09022015). Collection method: clinical testing. Allele origin: germline.
Comment: This sequence change creates a premature translational stop signal (p.Val848Cysfs*83) in the ABCC6 gene. It is expected to result in an absent or disrupted protein product. Loss-of-function variants in ABCC6 are known to be pathogenic (PMID: 11536079, 17617515). This variant is present in population databases (rs67867306, gnomAD 0.3%). This premature translational stop signal has been observed in individuals with pseudoxanthoma elasticum (PMID: 28912966). ClinVar contains an entry for this variant (Variation ID: 433283). For these reasons, this variant has been classified as Pathogenic.

Blueprint Genetics
Classification: Pathogenic for ABCC6-related disorders. Last evaluated: 2024-07-10. Review status: criteria provided, single submitter. Criteria: ACMG Guidelines, 2015. Collection method: clinical testing. Allele origin: germline. Affected: yes. Observed: 5 variant alleles.

Fulgent Genetics
Classification: Likely pathogenic for Pseudoxanthoma elasticum, forme fruste; Autosomal recessive inherited pseudoxanthoma elasticum; Arterial calcification, generalized, of infancy, 2. Last evaluated: 2024-04-03. Review status: criteria provided, single submitter. Criteria: ACMG Guidelines, 2015. Collection method: clinical testing. Allele origin: germline.

Department of Pathology and Laboratory Medicine, Sinai Health System
Classification: Pathogenic for Pseudoxanthoma elasticum, forme fruste; Autosomal recessive inherited pseudoxanthoma elasticum; Arterial calcification, generalized, of infancy, 2. Last evaluated: 2022-05-19. Review status: criteria provided, single submitter. Criteria: ACMG Guidelines, 2015. Collection method: research. Allele origin: germline.

Juno Genomics, Hangzhou Juno Genomics, Inc
Classification: Pathogenic for Autosomal recessive inherited pseudoxanthoma elasticum. Review status: criteria provided, single submitter. Criteria: ACMG Guidelines, 2015. Collection method: clinical testing. Allele origin: germline. Affected: yes.
Comment: Null variant in a gene where loss of function (LOF) is a known mechanism of disease.;For recessive disorders, detected in trans with a pathogenic variant.

PXE International
Classification: Uncertain significance for Autosomal recessive inherited pseudoxanthoma elasticum. Last evaluated: 2021-03-01. Review status: no assertion criteria provided. Collection method: research. Allele origin: germline. Inheritance: Autosomal recessive inheritance. Affected: yes. Not counted in ClinVar's aggregate classification.

Literature cited by the submitters: PubMed 11536079 (cited by Labcorp Genetics (formerly Invitae), Labcorp); PubMed 17617515 (cited by Labcorp Genetics (formerly Invitae), Labcorp); PubMed 28912966 (cited by Labcorp Genetics (formerly Invitae), Labcorp); PubMed 11427982 (cited by PXE International).

NM_001171.6(ABCC6):c.2542del (p.Met848fs)

Gene: ABCC6 (ATP binding cassette subfamily C member 6; minus strand). Cytogenetic location: 16p13.11.
Variant type: Deletion.
Coding change: c.2542del on transcript NM_001171.6 (MANE Select); coding-DNA position 2542, one base deleted (A; older notation c.2542delA).
Protein change: p.Met848fs; shifts the reading frame from methionine 848.
Molecular consequence: frameshift variant.
Genome position (GRCh38, 1-based): chr16:16,177,500, T deleted on the plus strand (A on the coding strand, the reverse complement: ABCC6 is on the minus strand). VCF-style (leftmost placement, unchanged base first): chr16-16177499-AT-A. GRCh37 (hg19) VCF-style: chr16-16271356-AT-A.
Other names: c.2542delG (NM_001171.5); c.2200del, p.Val734fs (NM_001351800.1); short protein forms V734fs, M848fs.
Identifiers: ClinVar variation 433283 (VCV000433283.15), dbSNP rs67867306, ClinGen allele CA7925885.